The following is an entry in ClinVar:

NM_001287491.2(TET3):c.3604+5del

Gene: TET3 (tet methylcytosine dioxygenase 3; plus strand). Cytogenetic location: 2p13.1.
Variant type: Deletion.
Coding change: c.3604+5del on transcript NM_001287491.2 (MANE Select); 5 bases into the intron after coding-DNA position 3604, one base deleted (G; older notation c.3604+5delG).
Molecular consequence: intron variant.
Genome position (GRCh38, 1-based): chr2:74,099,617, G deleted. VCF-style (leftmost placement, unchanged base first): chr2-74099616-TG-T. GRCh37 (hg19) VCF-style: chr2-74326743-TG-T.
Other names: c.3325+5del (NM_001366022.1).
Identifiers: ClinVar variation 4818917 (VCV004818917.2).

ClinVar aggregate classification (germline): Uncertain significance (1 of 4 stars; one submission).

Submission:

GeneDx
Classification: Uncertain significance. Last evaluated: 2026-07-06. Review status: criteria provided, single submitter. Criteria: GeneDx Variant Classification Process June 2021. Collection method: clinical testing. Allele origin: germline.
Comment: Not observed at significant frequency in large population cohorts (gnomAD); In silico analysis supports a deleterious effect on splicing; Has not been previously published as pathogenic or benign to our knowledge